The following is an entry in ClinVar:

NM_006767.4(LZTR1):c.1717T>A (p.Ser573Thr)

Gene: LZTR1 (leucine zipper like post translational regulator 1; plus strand). Cytogenetic location: 22q11.21.
Variant type: single nucleotide variant.
Coding change: c.1717T>A on transcript NM_006767.4 (MANE Select); coding-DNA position 1717, T replaced by A.
Protein change: p.Ser573Thr; replaces serine 573 with threonine.
Molecular consequence: missense variant.
Genome position (GRCh38, 1-based): chr22:20,994,659, T>A. VCF-style: chr22-20994659-T-A. GRCh37 (hg19) VCF-style: chr22-21348948-T-A.
Other names: short protein forms S573T.
Identifiers: ClinVar variation 3667169 (VCV003667169.2).

ClinVar aggregate classification (germline): Uncertain significance (1 of 4 stars; one submission).

Submission:

Labcorp Genetics (formerly Invitae), Labcorp
Classification: Uncertain significance. Last evaluated: 2024-10-05. Review status: criteria provided, single submitter. Criteria: Invitae Variant Classification Sherloc (09022015). Collection method: clinical testing. Allele origin: germline.
Comment: This sequence change replaces serine, which is neutral and polar, with threonine, which is neutral and polar, at codon 573 of the LZTR1 protein (p.Ser573Thr). This variant is not present in population databases (gnomAD no frequency). This variant has not been reported in the literature in individuals affected with LZTR1-related conditions. Invitae Evidence Modeling of protein sequence and biophysical properties (such as structural, functional, and spatial information, amino acid conservation, physicochemical variation, residue mobility, and thermodynamic stability) indicates that this missense variant is not expected to disrupt LZTR1 protein function with a negative predictive value of 80%. In summary, the available evidence is currently insufficient to determine the role of this variant in disease. Therefore, it has been classified as a Variant of Uncertain Significance.